The following is an entry in ClinVar:

NM_013382.7(POMT2):c.2128C>G (p.Leu710Val)

Gene: POMT2 (protein O-mannosyltransferase 2; minus strand). Cytogenetic location: 14q24.3.
Variant type: single nucleotide variant.
Coding change: c.2128C>G on transcript NM_013382.7 (MANE Select); coding-DNA position 2128, C replaced by G.
Protein change: p.Leu710Val; replaces leucine 710 with valine.
Molecular consequence: missense variant.
Genome position (GRCh38, 1-based): chr14:77,278,413, G>C on the plus strand (C>G on the coding strand, the complement: POMT2 is on the minus strand). VCF-style: chr14-77278413-G-C. GRCh37 (hg19) VCF-style: chr14-77744756-G-C.
Other names: short protein forms L710V.
Identifiers: ClinVar variation 1471244 (VCV001471244.6), dbSNP rs2140160442, ClinGen allele CA390513345.

ClinVar aggregate classification (germline): Uncertain significance (1 of 4 stars; one submission).

Conditions:
Muscular dystrophy-dystroglycanopathy (congenital with impaired intellectual development), type B, 2. Also called: Muscular dystrophy-dystroglycanopathy (congenital with intellectual disability), type B2; MUSCULAR DYSTROPHY, CONGENITAL, POMT2-RELATED. Identifiers: MedGen C3150416, MONDO:0013160, OMIM 613156.
Autosomal recessive limb-girdle muscular dystrophy type 2N. Also called: MUSCULAR DYSTROPHY-DYSTROGLYCANOPATHY, LIMB-GIRDLE, POMT2-RELATED; Muscular dystrophy-dystroglycanopathy (limb-girdle), type C, 2. Identifiers: Orphanet 206559, MedGen C3150418, MONDO:0013162, OMIM 613158.
Muscular dystrophy-dystroglycanopathy (congenital with brain and eye anomalies), type A2. Also called: MUSCULAR DYSTROPHY-DYSTROGLYCANOPATHY (CONGENITAL WITH BRAIN AND EYE ANOMALIES), TYPE A, 2; WALKER-WARBURG SYNDROME OR MUSCLE-EYE-BRAIN DISEASE, POMT2-RELATED. Identifiers: Orphanet 588, Orphanet 899, MedGen C3150411, MONDO:0013154, OMIM 613150.

Submission:

Labcorp Genetics (formerly Invitae), Labcorp
Classification: Uncertain significance for Muscular dystrophy-dystroglycanopathy (congenital with impaired intellectual development), type B, 2; Muscular dystrophy-dystroglycanopathy (congenital with brain and eye anomalies), type A2; Autosomal recessive limb-girdle muscular dystrophy type 2N. Last evaluated: 2025-05-16. Review status: criteria provided, single submitter. Criteria: Invitae Variant Classification Sherloc (09022015). Collection method: clinical testing. Allele origin: germline.
Comment: This sequence change replaces leucine, which is neutral and non-polar, with valine, which is neutral and non-polar, at codon 710 of the POMT2 protein (p.Leu710Val). This variant is not present in population databases (gnomAD no frequency). This variant has not been reported in the literature in individuals affected with POMT2-related conditions. ClinVar contains an entry for this variant (Variation ID: 1471244). Invitae Evidence Modeling of protein sequence and biophysical properties (such as structural, functional, and spatial information, amino acid conservation, physicochemical variation, residue mobility, and thermodynamic stability) indicates that this missense variant is not expected to disrupt POMT2 protein function with a negative predictive value of 95%. In summary, the available evidence is currently insufficient to determine the role of this variant in disease. Therefore, it has been classified as a Variant of Uncertain Significance.